The following is an entry in ClinVar:

NM_020361.5(CPA6):c.902C>T (p.Pro301Leu)

Genes: ARFGEF1-DT (ARFGEF1 divergent transcript; plus strand), CPA6 (carboxypeptidase A6; minus strand). Cytogenetic location: 8q13.2.
Variant type: single nucleotide variant.
Coding change: c.902C>T on transcript NM_020361.5 (MANE Select); coding-DNA position 902, C replaced by T.
Protein change: p.Pro301Leu; replaces proline 301 with leucine.
Molecular consequence: missense variant.
Genome position (GRCh38, 1-based): chr8:67,434,177, G>A on the plus strand (C>T on the coding strand, the complement: CPA6 is on the minus strand). VCF-style: chr8-67434177-G-A. GRCh37 (hg19) VCF-style: chr8-68346412-G-A.
Other names: short protein forms P301L.
Identifiers: ClinVar variation 444757 (VCV000444757.56), dbSNP rs753468111, ClinGen allele CA4772783.

ClinVar aggregate classification (germline): Uncertain significance. Review status: criteria provided, multiple submitters, no conflicts (2 of 4 stars). 4 submissions from 4 submitters: Uncertain significance (4). Last evaluated 2020-10-23.

Conditions:
Febrile seizures, familial, 11 (FEB11). Also called: CONVULSIONS, FAMILIAL FEBRILE, 11. Identifiers: MedGen C3280734, MONDO:0024566, OMIM 614418.
Familial temporal lobe epilepsy 5. Identifiers: MedGen C3280730, MONDO:0013741, OMIM 614417.

Allele frequency attached by ClinVar (database versions not stated): ExAC 0.00002; gnomAD exomes 0.00002 and 0.00004; TOPMed 0.00002; gnomAD 0.00003.
gnomAD v4.1: 70 of 1,613,966 alleles (0.0043%); highest among the groups gnomAD compares: South Asian, 0.012%; no homozygotes.

Submissions (4):

Labcorp Genetics (formerly Invitae), Labcorp
Classification: Uncertain significance for Febrile seizures, familial, 11. Last evaluated: 2020-10-23. Review status: criteria provided, single submitter. Criteria: Invitae Variant Classification Sherloc (09022015). Collection method: clinical testing. Allele origin: germline.
Comment: In summary, the available evidence is currently insufficient to determine the role of this variant in disease. Therefore, it has been classified as a Variant of Uncertain Significance. Algorithms developed to predict the effect of missense changes on protein structure and function are either unavailable or do not agree on the potential impact of this missense change (SIFT: "Tolerated"; PolyPhen-2: "Probably Damaging"; Align-GVGD: "Class C0"). This variant has not been reported in the literature in individuals with CPA6-related disease. ClinVar contains an entry for this variant (Variation ID: 444757). This variant is present in population databases (rs753468111, ExAC 0.01%). This sequence change replaces proline with leucine at codon 301 of the CPA6 protein (p.Pro301Leu). The proline residue is highly conserved and there is a moderate physicochemical difference between proline and leucine.

Fulgent Genetics
Classification: Uncertain significance for Familial temporal lobe epilepsy 5; Febrile seizures, familial, 11. Last evaluated: 2018-10-31. Review status: criteria provided, single submitter. Criteria: ACMG Guidelines, 2015. Collection method: clinical testing. Allele origin: unknown.

Illumina Laboratory Services, Illumina
Classification: Uncertain significance for Familial temporal lobe epilepsy 5. Last evaluated: 2018-01-12. Review status: criteria provided, single submitter. Criteria: ICSL Variant Classification Criteria 13 December 2019. Collection method: clinical testing. Allele origin: germline.

CeGaT Center for Human Genetics Tuebingen
Classification: Uncertain significance. Last evaluated: 2017-02-01. Review status: criteria provided, single submitter. Criteria: CeGaT Center For Human Genetics Tuebingen Variant Classification Criteria Version 2. Collection method: clinical testing. Allele origin: germline. Affected: yes. Observed: 1 variant allele.